The following is an entry in ClinVar:

ClinVar aggregate classification (germline): Uncertain significance (1 of 4 stars; one submission).

Conditions:
Periodontitis, aggressive. Identifiers: MedGen C0031106, MONDO:0980757.
Papillon-Lefèvre syndrome (PALS). Also called: KERATOSIS PALMOPLANTARIS WITH PERIODONTOPATHIA; Papillon-Lefevre Disease. Identifiers: Orphanet 678, MedGen C0030360, MONDO:0009490, OMIM 245000.
Haim-Munk syndrome (HMS). Also called: COCHIN JEWISH DISORDER; KERATOSIS PALMOPLANTARIS WITH PERIODONTOPATHIA AND ONYCHOGRYPOSIS. Identifiers: Orphanet 2342, MedGen C1855627, MONDO:0009491, OMIM 245010.

Allele frequency attached by ClinVar (database versions not stated): gnomAD exomes below 0.00001; gnomAD 0.00003.
gnomAD v4.1: 10 of 1,589,720 alleles (0.00063%); highest among the groups gnomAD compares: African/African-American, 0.0069%; no homozygotes.

Submission:

Labcorp Genetics (formerly Invitae), Labcorp
Classification: Uncertain significance for Haim-Munk syndrome; Periodontitis, aggressive; Papillon-Lefèvre syndrome. Last evaluated: 2022-03-11. Review status: criteria provided, single submitter. Criteria: Invitae Variant Classification Sherloc (09022015). Collection method: clinical testing. Allele origin: germline.
Comment: This sequence change replaces proline, which is neutral and non-polar, with leucine, which is neutral and non-polar, at codon 59 of the CTSC protein (p.Pro59Leu). The frequency data for this variant in the population databases is considered unreliable, as metrics indicate poor data quality at this position in the gnomAD database. This variant has not been reported in the literature in individuals affected with CTSC-related conditions. Algorithms developed to predict the effect of missense changes on protein structure and function are either unavailable or do not agree on the potential impact of this missense change (SIFT: "Not Available"; PolyPhen-2: "Benign"; Align-GVGD: "Not Available"). In summary, the available evidence is currently insufficient to determine the role of this variant in disease. Therefore, it has been classified as a Variant of Uncertain Significance.

NM_001814.6(CTSC):c.176C>T (p.Pro59Leu)

Gene: CTSC (cathepsin C; minus strand). Cytogenetic location: 11q14.2.
Variant type: single nucleotide variant.
Coding change: c.176C>T on transcript NM_001814.6 (MANE Select); coding-DNA position 176, C replaced by T.
Protein change: p.Pro59Leu; replaces proline 59 with leucine.
Molecular consequence: missense variant.
Genome position (GRCh38, 1-based): chr11:88,335,079, G>A on the plus strand (C>T on the coding strand, the complement: CTSC is on the minus strand). VCF-style: chr11-88335079-G-A. GRCh37 (hg19) VCF-style: chr11-88068247-G-A.
Other names: c.176C>T, p.Pro59Leu (NM_001114173.3, NM_148170.5); short protein forms P59L.
Identifiers: ClinVar variation 2148508 (VCV002148508.1), dbSNP rs1434211043, ClinGen allele CA382030109.